The following is an entry in ClinVar:

ClinVar aggregate classification (germline): Likely benign. Review status: criteria provided, multiple submitters, no conflicts (2 of 4 stars). 4 submissions from 4 submitters: Likely benign (3). 1 of the submissions does not count toward it. Last evaluated 2024-09-10.

Conditions:
CDH1-related disorder. Also called: CDH1-related condition.
Hereditary cancer-predisposing syndrome. Also called: Neoplastic Syndromes, Hereditary; Hereditary Cancer Syndrome; Hereditary neoplastic syndrome; Tumor predisposition. Identifiers: Orphanet 140162, MedGen C0027672, MeSH D009386, MONDO:0015356.
Hereditary diffuse gastric adenocarcinoma (HDGC). Also called: DIFFUSE GASTRIC AND LOBULAR BREAST CANCER SYNDROME. Identifiers: Orphanet 26106, MedGen C1708349, MONDO:0007648, OMIM 137215.

Allele frequency attached by ClinVar (database versions not stated): ExAC below 0.00001; gnomAD 0.00001; gnomAD exomes 0.00001 and 0.00002; TOPMed 0.00001.

Submissions (4):

Myriad Genetics, Inc.
Classification: Likely benign for Hereditary diffuse gastric adenocarcinoma. Last evaluated: 2024-09-10. Review status: criteria provided, single submitter. Criteria: Myriad Autosomal Dominant, Autosomal Recessive and X-Linked Classification Criteria (2023). Collection method: clinical testing. Allele origin: unknown.
Comment: This variant is considered likely benign. This variant is intronic and is not expected to impact mRNA splicing.

Quest Diagnostics Nichols Institute San Juan Capistrano
Classification: Likely benign. Last evaluated: 2019-08-14. Review status: criteria provided, single submitter. Criteria: Quest Diagnostics criteria. Collection method: clinical testing. Allele origin: germline.

Ambry Genetics
Classification: Likely benign for Hereditary cancer-predisposing syndrome. Last evaluated: 2013-09-13. Review status: criteria provided, single submitter. Criteria: Ambry Autosomal Dominant and X-Linked criteria (10/2015). Collection method: clinical testing. Allele origin: germline. Observed: 1 variant allele.

PreventionGenetics, part of Exact Sciences
Classification: Likely benign for CDH1-related condition. Last evaluated: 2022-12-15. Review status: no assertion criteria provided. Collection method: clinical testing. Allele origin: germline. Not counted in ClinVar's aggregate classification.
Comment: This variant is classified as likely benign based on ACMG/AMP sequence variant interpretation guidelines (Richards et al. 2015 PMID: 25741868, with internal and published modifications).

Literature cited by the submitters: PubMed 24204729 (cited by Quest Diagnostics Nichols Institute San Juan Capistrano).

NM_004360.5(CDH1):c.48+7C>T

Gene: CDH1 (cadherin 1; plus strand). Cytogenetic location: 16q22.1.
Variant type: single nucleotide variant.
Coding change: c.48+7C>T on transcript NM_004360.5 (MANE Select); 7 bases into the intron after coding-DNA position 48, C replaced by T.
Molecular consequence: intron variant.
Genome position (GRCh38, 1-based): chr16:68,737,470, C>T. VCF-style: chr16-68737470-C-T. GRCh37 (hg19) VCF-style: chr16-68771373-C-T.
Other names: c.48+7C>T (LRG_301t1, NM_001317184.2); c.-1568+7C>T (NM_001317185.2); c.-1772+7C>T (NM_001317186.2).
Identifiers: ClinVar variation 142318 (VCV000142318.8), dbSNP rs587782380, ClinGen allele CA168043.